The following is an entry in ClinVar:

ClinVar aggregate classification (germline): Uncertain significance. Review status: criteria provided, multiple submitters, no conflicts (2 of 4 stars). 3 submissions from 3 submitters: Uncertain significance (3). Last evaluated 2025-09-02.

Conditions:
TUB-related disorder. Also called: TUB-related condition.

Allele frequency attached by ClinVar (database versions not stated): ExAC 0.00001; gnomAD exomes 0.00001 and 0.00003; gnomAD 0.00003 and 0.00004; TOPMed 0.00003.
gnomAD v4.1: 44 of 1,614,092 alleles (0.0027%); highest among the groups gnomAD compares: East Asian, 0.0045%; no homozygotes.

Submissions (3):

PreventionGenetics, part of Exact Sciences
Classification: Uncertain significance for TUB-related condition. Last evaluated: 2025-09-02. Review status: criteria provided, single submitter. Criteria: ACMG Guidelines, 2015. Collection method: clinical testing. Allele origin: germline.
Comment: The TUB c.1580G>A variant is predicted to result in the amino acid substitution p.Arg527Gln. To our knowledge, this variant has not been reported in the literature. This variant is reported in 0.0033% of alleles in individuals of South Asian descent in gnomAD. At this time, the clinical significance of this variant is uncertain due to the absence of conclusive functional and genetic evidence.

Labcorp Genetics (formerly Invitae), Labcorp
Classification: Uncertain significance. Last evaluated: 2024-11-05. Review status: criteria provided, single submitter. Criteria: Invitae Variant Classification Sherloc (09022015). Collection method: clinical testing. Allele origin: germline.
Comment: This sequence change replaces arginine, which is basic and polar, with glutamine, which is neutral and polar, at codon 527 of the TUB protein (p.Arg527Gln). This variant is present in population databases (rs200534110, gnomAD 0.003%). This variant has not been reported in the literature in individuals affected with TUB-related conditions. ClinVar contains an entry for this variant (Variation ID: 1523721). An algorithm developed to predict the effect of missense changes on protein structure and function (PolyPhen-2) suggests that this variant is likely to be disruptive. In summary, the available evidence is currently insufficient to determine the role of this variant in disease. Therefore, it has been classified as a Variant of Uncertain Significance.

Blueprint Genetics
Classification: Uncertain significance. Last evaluated: 2022-06-15. Review status: criteria provided, single submitter. Criteria: ACMG Guidelines, 2015. Collection method: clinical testing. Allele origin: germline.

NM_177972.3(TUB):c.1415G>A (p.Arg472Gln)

Genes: RIC3 (RIC3 acetylcholine receptor chaperone; minus strand), TUB (TUB bipartite transcription factor; plus strand). Cytogenetic location: 11p15.4.
Variant type: single nucleotide variant.
Coding change: c.1415G>A on transcript NM_177972.3 (MANE Select); coding-DNA position 1415, G replaced by A.
Protein change: p.Arg472Gln; replaces arginine 472 with glutamine.
Molecular consequence: missense variant.
Genome position (GRCh38, 1-based): chr11:8,101,513, G>A. VCF-style: chr11-8101513-G-A. GRCh37 (hg19) VCF-style: chr11-8123060-G-A.
Other names: c.1580G>A, p.Arg527Gln (NM_003320.5); c.1580G>A (NM_003320.4); short protein forms R472Q, R527Q.
Identifiers: ClinVar variation 1523721 (VCV001523721.8), dbSNP rs200534110, ClinGen allele CA5871515.